The following is an entry in ClinVar:

ClinVar aggregate classification (germline): Uncertain significance. Review status: criteria provided, multiple submitters, no conflicts (2 of 4 stars). 2 submissions from 2 submitters: Uncertain significance (2). Last evaluated 2026-08-05.

Conditions:
Inborn genetic diseases. Identifiers: MedGen C0950123, MeSH D030342.
Norman-Roberts syndrome (LIS2). Also called: Lissencephaly 2 (Norman-Roberts type). Identifiers: Orphanet 89844, MedGen C0796089, MONDO:0009760, OMIM 257320.
Familial temporal lobe epilepsy 7. Identifiers: Orphanet 101046, MedGen C4225327, MONDO:0014639, OMIM 616436.

gnomAD v4.1: 1 of 1,613,884 alleles (0.000062%); highest among the groups gnomAD compares: African/African-American, 0.0013%; no homozygotes.

Submissions (2):

Ambry Genetics
Classification: Uncertain significance for Inborn genetic diseases. Last evaluated: 2026-08-05. Review status: criteria provided, single submitter. Criteria: Ambry Variant Classification Scheme 2023. Collection method: clinical testing. Allele origin: germline.

Labcorp Genetics (formerly Invitae), Labcorp
Classification: Uncertain significance for Familial temporal lobe epilepsy 7; Norman-Roberts syndrome. Last evaluated: 2025-08-20. Review status: criteria provided, single submitter. Criteria: Invitae Variant Classification Sherloc (09022015). Collection method: clinical testing. Allele origin: germline.
Comment: This sequence change replaces serine, which is neutral and polar, with isoleucine, which is neutral and non-polar, at codon 2162 of the RELN protein (p.Ser2162Ile). This variant is not present in population databases (gnomAD no frequency). This variant has not been reported in the literature in individuals affected with RELN-related conditions. Invitae Evidence Modeling of protein sequence and biophysical properties (such as structural, functional, and spatial information, amino acid conservation, physicochemical variation, residue mobility, and thermodynamic stability) indicates that this missense variant is not expected to disrupt RELN protein function with a negative predictive value of 80%. In summary, the available evidence is currently insufficient to determine the role of this variant in disease. Therefore, it has been classified as a Variant of Uncertain Significance.

NM_005045.4(RELN):c.6485G>T (p.Ser2162Ile)

Gene: RELN (reelin; minus strand). Cytogenetic location: 7q22.1.
Variant type: single nucleotide variant.
Coding change: c.6485G>T on transcript NM_005045.4 (MANE Select); coding-DNA position 6485, G replaced by T.
Protein change: p.Ser2162Ile; replaces serine 2162 with isoleucine.
Molecular consequence: missense variant.
Genome position (GRCh38, 1-based): chr7:103,545,162, C>A on the plus strand (G>T on the coding strand, the complement: RELN is on the minus strand). VCF-style: chr7-103545162-C-A. GRCh37 (hg19) VCF-style: chr7-103185609-C-A.
Other names: c.6485G>T, p.Ser2162Ile (NM_173054.3); c.6485G>T (NM_005045.3); short protein forms S2162I.
Identifiers: ClinVar variation 4793291 (VCV004793291.2).